The following is an entry in ClinVar:

NM_018122.5(DARS2):c.223C>T (p.Arg75Ter)

Gene: DARS2 (aspartyl-tRNA synthetase 2, mitochondrial; plus strand). Cytogenetic location: 1q25.1.
Variant type: single nucleotide variant.
Coding change: c.223C>T on transcript NM_018122.5 (MANE Select); coding-DNA position 223, C replaced by T.
Protein change: p.Arg75Ter; replaces arginine 75 with a stop codon.
Molecular consequence: nonsense.
Genome position (GRCh38, 1-based): chr1:173,826,782, C>T. VCF-style: chr1-173826782-C-T. GRCh37 (hg19) VCF-style: chr1-173795920-C-T.
Other names: NM_018122.5(DARS2):c.223C>T; p.Arg75Ter; c.223C>T, p.Arg75Ter (NM_001365212.1, NM_001365213.2); short protein forms R75*.
Identifiers: ClinVar variation 597308 (VCV000597308.8), dbSNP rs1557852998, ClinGen allele CA343756088.

ClinVar aggregate classification (germline): Pathogenic/Likely pathogenic. Review status: criteria provided, multiple submitters, no conflicts (2 of 4 stars). 3 submissions from 3 submitters: Pathogenic (2); Likely pathogenic (1). Last evaluated 2025-01-16.

Conditions:
Leukoencephalopathy with brain stem and spinal cord involvement-high lactate syndrome (LBSL). Also called: LEUKOENCEPHALOPATHY WITH BRAINSTEM AND SPINAL CORD INVOLVEMENT AND LACTATE ELEVATION, MILD; Leukoencephalopathy with Brainstem and Spinal Cord Involvement and Lactate Elevation; MITOCHONDRIAL ASPARTYL-tRNA SYNTHETASE DEFICIENCY. Identifiers: Orphanet 137898, MedGen C1970180, MONDO:0012622, OMIM 611105.

gnomAD v4.1: 3 of 1,608,920 alleles (0.00019%); highest among the groups gnomAD compares: Admixed American, 0.0017%; no homozygotes.

Submissions (3):

Broad Center for Mendelian Genomics, Broad Institute of MIT and Harvard
Classification: Likely pathogenic for Leukoencephalopathy with brain stem and spinal cord involvement-high lactate syndrome. Last evaluated: 2025-01-16. Review status: criteria provided, single submitter. Criteria: ACMG Guidelines, 2015. Collection method: curation. Allele origin: germline. Inheritance: Autosomal recessive inheritance.
Comment: The p.Arg75Ter variant in DARS2 has not been previously reported in the literature in individuals with leukoencephalopathy with brain stem and spinal cord involvement-high lactate syndrome, but has been identified in 0.002% (1/59946) of Admixed American chromosomes by the Genome Aggregation Database (gnomAD; dbSNP rs1557852998). Although this variant has been seen in the general population in a heterozygous state, its frequency is low enough to be consistent with a recessive carrier frequency. This variant has also been reported in ClinVar (Variation ID: 597308) and has been interpreted as pathogenic by Eurofins Ntd Llc (ga) and Invitae. This nonsense variant leads to a premature termination codon at position 75, which is predicted to lead to a truncated or absent protein. Loss of function of the DARS2 gene is an established disease mechanism in leukoencephalopathy with brain stem and spinal cord involvement-high lactate syndrome. In summary, although additional studies are required to fully establish its clinical significance, this variant is likely pathogenic for autosomal recessive leukoencephalopathy with brain stem and spinal cord involvement-high lactate syndrome. ACMG/AMP Criteria applied: PVS1, PM2_supporting (Richards 2015).

Labcorp Genetics (formerly Invitae), Labcorp
Classification: Pathogenic. Last evaluated: 2022-12-04. Review status: criteria provided, single submitter. Criteria: Invitae Variant Classification Sherloc (09022015). Collection method: clinical testing. Allele origin: germline.
Comment: For these reasons, this variant has been classified as Pathogenic. ClinVar contains an entry for this variant (Variation ID: 597308). This variant has not been reported in the literature in individuals affected with DARS2-related conditions. This variant is not present in population databases (gnomAD no frequency). This sequence change creates a premature translational stop signal (p.Arg75*) in the DARS2 gene. It is expected to result in an absent or disrupted protein product. Loss-of-function variants in DARS2 are known to be pathogenic (PMID: 17384640, 24566671).

Eurofins Ntd Llc (ga)
Classification: Pathogenic. Last evaluated: 2018-05-23. Review status: criteria provided, single submitter. Criteria: EGL ClinVar v180209 classification definitions. Collection method: clinical testing. Allele origin: germline. Observed: 1 variant allele, 1 heterozygote.

Literature cited by the submitters: PubMed 17384640 (cited by Labcorp Genetics (formerly Invitae), Labcorp); PubMed 24566671 (cited by Labcorp Genetics (formerly Invitae), Labcorp).